The following is an entry in ClinVar:

NM_002224.4(ITPR3):c.6080A>G (p.Asp2027Gly)

Gene: ITPR3 (inositol 1,4,5-trisphosphate receptor type 3; plus strand). Cytogenetic location: 6p21.31.
Variant type: single nucleotide variant.
Coding change: c.6080A>G on transcript NM_002224.4 (MANE Select); coding-DNA position 6080, A replaced by G.
Protein change: p.Asp2027Gly; replaces aspartic acid 2027 with glycine.
Molecular consequence: missense variant.
Genome position (GRCh38, 1-based): chr6:33,687,230, A>G. VCF-style: chr6-33687230-A-G. GRCh37 (hg19) VCF-style: chr6-33655007-A-G.
Other names: short protein forms D2027G.
Identifiers: ClinVar variation 2521136 (VCV002521136.4), dbSNP rs760658664, ClinGen allele CA3761770.
Genomic context (GRCh38, chr6:33,687,230, plus strand): 5'-CCGGCTGGCCCTACCGCCCTAGGAAGAGAGCATTGGAACAGGCACTGCCCCTCCAGGTGG[A>G]CGTCATCAAGAAGGCCTACCTGCAGGAGGAAGAGCGTGAGAACTCGGAGGTGAGCCCACG-3'
Protein context (NP_002215.2, residues 2017-2037): LISLRPQELV[Asp2027Gly]VIKKAYLQEE

ClinVar aggregate classification (germline): Uncertain significance. Review status: criteria provided, multiple submitters, no conflicts (2 of 4 stars). 2 submissions from 2 submitters: Uncertain significance (2). Last evaluated 2023-05-24.

Conditions:
Diabetes mellitus type 1 (T1D). Also called: Type I diabetes mellitus; Diabetes Mellitus, Juvenile-Onset. Identifiers: MedGen C0011854, MONDO:0005147, OMIM 222100, HP:0100651.
Charcot-Marie-Tooth disease, demyelinating, type 1J. Also called: CHARCOT-MARIE-TOOTH NEUROPATHY, DEMYELINATING, TYPE 1J. Identifiers: MedGen C5774249, MONDO:0859311, OMIM 620111.

Allele frequency attached by ClinVar (database versions not stated): gnomAD exomes 0.00003; gnomAD 0.00005; TOPMed 0.00007; ExAC 0.00010; 1000 Genomes Project 30x 0.00016.

Submissions (2):

Ambry Genetics
Classification: Uncertain significance. Last evaluated: 2023-05-24. Review status: criteria provided, single submitter. Criteria: Ambry Variant Classification Scheme 2023. Collection method: clinical testing. Allele origin: germline.

Juno Genomics, Hangzhou Juno Genomics, Inc
Classification: Uncertain significance for Charcot-Marie-Tooth disease, demyelinating, type 1J; Diabetes mellitus type 1. Review status: criteria provided, single submitter. Criteria: ACMG Guidelines, 2015. Collection method: clinical testing. Allele origin: germline.
Comment: Missense variant in a gene that has a low rate of benign missense variation.;Multiple lines of computational evidence support a deleterious effect on the gene or gene product.;Absent from controls (or at extremely low frequency if recessive) in Genome Aggregation Database.